The following is an entry in ClinVar:

NM_001128205.2(SULF1):c.1954G>A (p.Ala652Thr)

Gene: SULF1 (sulfatase 1; plus strand). Cytogenetic location: 8q13.3.
Variant type: single nucleotide variant.
Coding change: c.1954G>A on transcript NM_001128205.2 (MANE Select); coding-DNA position 1954, G replaced by A.
Protein change: p.Ala652Thr; replaces alanine 652 with threonine.
Molecular consequence: missense variant. On other transcripts: non-coding transcript variant (3).
Genome position (GRCh38, 1-based): chr8:69,627,778, G>A. VCF-style: chr8-69627778-G-A. GRCh37 (hg19) VCF-style: chr8-70540013-G-A.
Other names: c.1954G>A, p.Ala652Thr (NM_001128204.2, NM_001128206.2, NM_015170.3); short protein forms A652T.
Identifiers: ClinVar variation 1373020 (VCV001373020.8), dbSNP rs773283487, ClinGen allele CA4776028.

ClinVar aggregate classification (germline): Uncertain significance (1 of 4 stars; one submission).

Allele frequency attached by ClinVar (database versions not stated): gnomAD exomes below 0.00001 and 0.00001; ExAC 0.00001; TOPMed 0.00001; gnomAD 0.00001.
gnomAD v4.1: 16 of 1,606,536 alleles (0.001%); highest among the groups gnomAD compares: Admixed American, 0.0017%; no homozygotes.

Submission:

Labcorp Genetics (formerly Invitae), Labcorp
Classification: Uncertain significance. Last evaluated: 2024-06-20. Review status: criteria provided, single submitter. Criteria: Invitae Variant Classification Sherloc (09022015). Collection method: clinical testing. Allele origin: germline.
Comment: This sequence change replaces alanine, which is neutral and non-polar, with threonine, which is neutral and polar, at codon 652 of the SULF1 protein (p.Ala652Thr). This variant is present in population databases (rs773283487, gnomAD 0.0009%). This variant has not been reported in the literature in individuals affected with SULF1-related conditions. ClinVar contains an entry for this variant (Variation ID: 1373020). An algorithm developed to predict the effect of missense changes on protein structure and function (PolyPhen-2) suggests that this variant is likely to be tolerated. In summary, the available evidence is currently insufficient to determine the role of this variant in disease. Therefore, it has been classified as a Variant of Uncertain Significance.